The following is an entry in ClinVar:

ClinVar aggregate classification (germline): Uncertain significance. Review status: criteria provided, multiple submitters, no conflicts (2 of 4 stars). 2 submissions from 2 submitters: Uncertain significance (2). Last evaluated 2023-06-16.

Conditions:
Inborn genetic diseases. Identifiers: MedGen C0950123, MeSH D030342.

Allele frequency attached by ClinVar (database versions not stated): TOPMed 0.00003; ExAC 0.00004; gnomAD 0.00005; ESP Exome Variant Server 0.00016.

Submissions (2):

Ambry Genetics
Classification: Uncertain significance for Inborn genetic diseases. Last evaluated: 2023-06-16. Review status: criteria provided, single submitter. Criteria: Ambry Variant Classification Scheme 2023. Collection method: clinical testing. Allele origin: germline.

GeneDx
Classification: Uncertain significance. Last evaluated: 2022-06-07. Review status: criteria provided, single submitter. Criteria: GeneDx Variant Classification Process June 2021. Collection method: clinical testing. Allele origin: germline. Affected: yes.
Comment: In silico analysis supports that this missense variant has a deleterious effect on protein structure/function; Has not been previously published as pathogenic or benign to our knowledge

NM_001372044.2(SHANK3):c.3460C>T (p.Pro1154Ser)

Gene: SHANK3 (SH3 and multiple ankyrin repeat domains 3; plus strand). Cytogenetic location: 22q13.33.
Variant type: single nucleotide variant.
Coding change: c.3460C>T on transcript NM_001372044.2 (MANE Select); coding-DNA position 3460, C replaced by T.
Protein change: p.Pro1154Ser; replaces proline 1154 with serine.
Molecular consequence: missense variant.
Genome position (GRCh38, 1-based): chr22:50,721,068, C>T. VCF-style: chr22-50721068-C-T. GRCh37 (hg19) VCF-style: chr22-51159496-C-T.
Other names: c.3235C>T, p.Pro1079Ser (NM_033517.1); short protein forms P1079S, P1154S.
Identifiers: ClinVar variation 1803663 (VCV001803663.3), dbSNP rs369123220, ClinGen allele CA10325987.
Genomic context (GRCh38, chr22:50,721,068, plus strand): 5'-GGGACCGGCCCCACCGCCGGCCGCGACCTGCTGCTGCCCTCCCCGGTGTCTGCCCTGAAG[C>T]CGTTGGTCAGCGGCCCGAGCCTGGGGCCCTCGGGTTCCACCTTCATCCACCCACTCACCG-3'
Protein context (NP_001358973.1, residues 1144-1164): LLPSPVSALK[Pro1154Ser]LVSGPSLGPS